The following is an entry in ClinVar:

ClinVar aggregate classification (germline): Uncertain significance (1 of 4 stars; one submission).

gnomAD v4.1: 1 of 1,607,024 alleles (0.000062%); highest among the groups gnomAD compares: Non-Finnish European, 0.000085%; no homozygotes.

Submission:

GeneDx
Classification: Uncertain significance. Last evaluated: 2025-05-09. Review status: criteria provided, single submitter. Criteria: GeneDx Variant Classification Process June 2021. Collection method: clinical testing. Allele origin: germline. Affected: yes.
Comment: Not observed at significant frequency in large population cohorts (gnomAD); In silico analysis supports a deleterious effect on splicing; Has not been previously published as pathogenic or benign to our knowledge

NM_001161352.2(KCNMA1):c.1593+5G>T

Gene: KCNMA1 (potassium calcium-activated channel subfamily M alpha 1; minus strand). Cytogenetic location: 10q22.3.
Variant type: single nucleotide variant.
Coding change: c.1593+5G>T on transcript NM_001161352.2 (MANE Select); 5 bases into the intron after coding-DNA position 1593, G replaced by T.
Molecular consequence: intron variant.
Genome position (GRCh38, 1-based): chr10:77,079,476, C>A on the plus strand (G>T on the coding strand, the complement: KCNMA1 is on the minus strand). VCF-style: chr10-77079476-C-A. GRCh37 (hg19) VCF-style: chr10-78839234-C-A.
Other names: c.1431+5G>T (NM_001271518.2); c.1593+5G>T (NM_001322832.2, NM_001410940.1, NM_001437423.1 and 9 more transcripts); c.1053+5G>T (NM_001322838.2); c.1725+5G>T (NM_001437422.1).
Identifiers: ClinVar variation 4527989 (VCV004527989.1).